The following is an entry in ClinVar:

NM_001375808.2(LPIN2):c.2531A>G (p.Lys844Arg)

Gene: LPIN2 (lipin 2; minus strand). Cytogenetic location: 18p11.31.
Variant type: single nucleotide variant.
Coding change: c.2531A>G on transcript NM_001375808.2 (MANE Select); coding-DNA position 2531, A replaced by G.
Protein change: p.Lys844Arg; replaces lysine 844 with arginine.
Molecular consequence: missense variant.
Genome position (GRCh38, 1-based): chr18:2,920,793, T>C on the plus strand (A>G on the coding strand, the complement: LPIN2 is on the minus strand). VCF-style: chr18-2920793-T-C. GRCh37 (hg19) VCF-style: chr18-2920791-T-C.
Other names: c.2531A>G, p.Lys844Arg (NM_001375809.1, NM_014646.2); short protein forms K844R.
Identifiers: ClinVar variation 857676 (VCV000857676.12), dbSNP rs2077042167, ClinGen allele CA401694040.

ClinVar aggregate classification (germline): Uncertain significance (1 of 4 stars; one submission).

Conditions:
Majeed syndrome (MJDS). Also called: LPIN2-Related Majeed Syndrome; CHRONIC RECURRENT MULTIFOCAL OSTEOMYELITIS 1, WITH CONGENITAL DYSERYTHROPOIETIC ANEMIA, WITH OR WITHOUT NEUTROPHILIC DERMATOSIS. Identifiers: Orphanet 77297, MedGen C1864997, MONDO:0012316, OMIM 609628.

Submission:

Labcorp Genetics (formerly Invitae), Labcorp
Classification: Uncertain significance for Majeed syndrome. Last evaluated: 2022-06-13. Review status: criteria provided, single submitter. Criteria: Invitae Variant Classification Sherloc (09022015). Collection method: clinical testing. Allele origin: germline.
Comment: This sequence change replaces lysine, which is basic and polar, with arginine, which is basic and polar, at codon 844 of the LPIN2 protein (p.Lys844Arg). This variant is not present in population databases (gnomAD no frequency). This variant has not been reported in the literature in individuals affected with LPIN2-related conditions. ClinVar contains an entry for this variant (Variation ID: 857676). Algorithms developed to predict the effect of missense changes on protein structure and function (SIFT, PolyPhen-2, Align-GVGD) all suggest that this variant is likely to be tolerated. In summary, the available evidence is currently insufficient to determine the role of this variant in disease. Therefore, it has been classified as a Variant of Uncertain Significance.